The following is an entry in ClinVar:

NM_052947.4(ALPK2):c.2218G>A (p.Glu740Lys)

Gene: ALPK2 (alpha kinase 2; minus strand). Cytogenetic location: 18q21.31.
Variant type: single nucleotide variant.
Coding change: c.2218G>A on transcript NM_052947.4 (MANE Select); coding-DNA position 2218, G replaced by A.
Protein change: p.Glu740Lys; replaces glutamic acid 740 with lysine.
Molecular consequence: missense variant.
Genome position (GRCh38, 1-based): chr18:58,537,969, C>T on the plus strand (G>A on the coding strand, the complement: ALPK2 is on the minus strand). VCF-style: chr18-58537969-C-T. GRCh37 (hg19) VCF-style: chr18-56205201-C-T.
Other names: short protein forms E740K.
Identifiers: ClinVar variation 1787866 (VCV001787866.3), dbSNP rs1320238994, ClinGen allele CA402571242.

ClinVar aggregate classification (germline): Uncertain significance (1 of 4 stars; one submission).

Allele frequency attached by ClinVar (database versions not stated): gnomAD exomes below 0.00001; TOPMed below 0.00001; gnomAD 0.00001.
gnomAD v4.1: 2 of 1,614,128 alleles (0.00012%); highest among the groups gnomAD compares: Non-Finnish European, 0.00017%; no homozygotes.

Submission:

Ambry Genetics
Classification: Uncertain significance. Last evaluated: 2024-04-13. Review status: criteria provided, single submitter. Criteria: Ambry Variant Classification Scheme 2023. Collection method: clinical testing. Allele origin: germline.
Comment: The p.E740K variant (also known as c.2218G>A), located in coding exon 4 of the ALPK2 gene, results from a G to A substitution at nucleotide position 2218. The glutamic acid at codon 740 is replaced by lysine, an amino acid with similar properties. This amino acid position is conserved. In addition, this alteration is predicted to be tolerated by in silico analysis. Since supporting evidence is limited at this time, the clinical significance of this alteration remains unclear.